The following is an entry in ClinVar:

NM_001365276.2(TNXB):c.166T>C (p.Ser56Pro)

Gene: TNXB (tenascin XB; minus strand). Cytogenetic location: 6p21.33.
Variant type: single nucleotide variant.
Coding change: c.166T>C on transcript NM_001365276.2 (MANE Select); coding-DNA position 166, T replaced by C.
Protein change: p.Ser56Pro; replaces serine 56 with proline.
Molecular consequence: missense variant.
Genome position (GRCh38, 1-based): chr6:32,098,033, A>G on the plus strand (T>C on the coding strand, the complement: TNXB is on the minus strand). VCF-style: chr6-32098033-A-G. GRCh37 (hg19) VCF-style: chr6-32065810-A-G.
Other names: c.166T>C, p.Ser56Pro (NM_001428335.1, NM_019105.8); short protein forms S56P.
Identifiers: ClinVar variation 3459809 (VCV003459809.1).
Genomic context (GRCh38, chr6:32,098,033, plus strand): 5'-GGTGGGTGAATACCACCTGCTTCTCCCCTCCTTCCACTGTGTGCTCGTAAAGCTGAGAAG[A>G]GGGGCTTCCCACTCCAGCCCCCACTGTGTGGCCCCCTGGCTGGGGAGGGGGCCGGGGGGC-3'
Protein context (NP_001352205.1, residues 46-66): HTVGAGVGSP[Ser56Pro]SQLYEHTVEG

ClinVar aggregate classification (germline): Uncertain significance (1 of 4 stars; one submission).

Conditions:
Cardiovascular phenotype. Identifiers: MedGen CN230736.

gnomAD v4.1: 3 of 1,607,040 alleles (0.00019%); highest among the groups gnomAD compares: African/African-American, 0.004%; no homozygotes.

Submission:

Ambry Genetics
Classification: Uncertain significance for Cardiovascular phenotype. Last evaluated: 2024-10-08. Review status: criteria provided, single submitter. Criteria: Ambry Variant Classification Scheme 2023. Collection method: clinical testing. Allele origin: germline.
Comment: The p.S56P variant (also known as c.166T>C), located in coding exon 1 of the TNXB gene, results from a T to C substitution at nucleotide position 166. The serine at codon 56 is replaced by proline, an amino acid with similar properties. This amino acid position is conserved. In addition, the in silico prediction for this alteration is inconclusive. Based on the available evidence, the clinical significance of this variant remains unclear.